The following is an entry in ClinVar:

ClinVar aggregate classification (germline): Conflicting classifications of pathogenicity. Review status: criteria provided, conflicting classifications (1 of 4 stars). 5 submissions from 5 submitters: Uncertain significance (3); Likely benign (1). 1 of the submissions does not count toward it. Last evaluated 2025-10-03.

Conditions:
Primary ciliary dyskinesia. Also called: Ciliary dyskinesia. Identifiers: Orphanet 244, MedGen C0008780, MONDO:0016575, HP:0012265.
Primary ciliary dyskinesia 3. Identifiers: Orphanet 244, MedGen C1837618, MONDO:0012085, OMIM 608644.

Allele frequency attached by ClinVar (database versions not stated): TOPMed 0.00002; gnomAD 0.00003 and 0.00004; gnomAD exomes 0.00004 and 0.00005; ExAC 0.00007.
gnomAD v4.1: 57 of 1,613,836 alleles (0.0035%); highest among the groups gnomAD compares: Non-Finnish European, 0.0044%; no homozygotes.

Submissions (5):

Ambry Genetics
Classification: Uncertain significance for Primary ciliary dyskinesia. Last evaluated: 2025-10-03. Review status: criteria provided, single submitter. Criteria: Ambry Variant Classification Scheme 2023. Collection method: clinical testing. Allele origin: germline.
Comment: The p.I3592L variant (also known as c.10774A>C), located in coding exon 63 of the DNAH5 gene, results from an A to C substitution at nucleotide position 10774. The isoleucine at codon 3592 is replaced by leucine, an amino acid with highly similar properties. This amino acid position is highly conserved in available vertebrate species. In addition, this alteration is predicted to be tolerated by in silico analysis. Based on the available evidence, the clinical significance of this variant remains unclear.

Labcorp Genetics (formerly Invitae), Labcorp
Classification: Likely benign for Primary ciliary dyskinesia. Last evaluated: 2024-10-24. Review status: criteria provided, single submitter. Criteria: Invitae Variant Classification Sherloc (09022015). Collection method: clinical testing. Allele origin: germline.

Fulgent Genetics
Classification: Uncertain significance for Primary ciliary dyskinesia 3. Last evaluated: 2022-02-10. Review status: criteria provided, single submitter. Criteria: ACMG Guidelines, 2015. Collection method: clinical testing. Allele origin: unknown.

CeGaT Center for Human Genetics Tuebingen
Classification: Uncertain significance. Last evaluated: 2021-11-01. Review status: criteria provided, single submitter. Criteria: CeGaT Center For Human Genetics Tuebingen Variant Classification Criteria Version 2. Collection method: clinical testing. Allele origin: germline. Affected: yes. Observed: 1 variant allele.

Natera, Inc.
Classification: Uncertain significance for Primary ciliary dyskinesia. Last evaluated: 2020-01-17. Review status: no assertion criteria provided. Collection method: clinical testing. Allele origin: germline. Not counted in ClinVar's aggregate classification.

NM_001369.3(DNAH5):c.10774A>C (p.Ile3592Leu)

Gene: DNAH5 (dynein axonemal heavy chain 5; minus strand). Cytogenetic location: 5p15.2.
Variant type: single nucleotide variant.
Coding change: c.10774A>C on transcript NM_001369.3 (MANE Select); coding-DNA position 10774, A replaced by C.
Protein change: p.Ile3592Leu; replaces isoleucine 3592 with leucine.
Molecular consequence: missense variant.
Genome position (GRCh38, 1-based): chr5:13,753,331, T>G on the plus strand (A>C on the coding strand, the complement: DNAH5 is on the minus strand). VCF-style: chr5-13753331-T-G. GRCh37 (hg19) VCF-style: chr5-13753440-T-G.
Other names: short protein forms I3592L.
Identifiers: ClinVar variation 965206 (VCV000965206.47), dbSNP rs758395320, ClinGen allele CA3202142.